The following is an entry in ClinVar:

ClinVar aggregate classification (germline): Uncertain significance. Review status: criteria provided, multiple submitters, no conflicts (2 of 4 stars). 2 submissions from 2 submitters: Uncertain significance (2). Last evaluated 2023-07-27.

Conditions:
Progressive myoclonic epilepsy type 3. Also called: EPILEPSY, PROGRESSIVE MYOCLONIC, 3, WITH OR WITHOUT INTRACELLULAR INCLUSIONS; CEROID LIPOFUSCINOSIS, NEURONAL, 14; KCTD7-Related Progressive Myoclonic Epilepsy; EPILEPSY, PROGRESSIVE MYOCLONIC, 3, WITHOUT INTRACELLULAR INCLUSIONS. Identifiers: Orphanet 263516, MedGen C2673257, MONDO:0012721, OMIM 611726.

Allele frequency attached by ClinVar (database versions not stated): TOPMed 0.00002; 1000 Genomes Project 30x 0.00016.
gnomAD v4.1: 42 of 1,614,220 alleles (0.0026%); highest among the groups gnomAD compares: Admixed American, 0.012%; no homozygotes.

Submissions (2):

Labcorp Genetics (formerly Invitae), Labcorp
Classification: Uncertain significance for Progressive myoclonic epilepsy type 3. Last evaluated: 2023-07-27. Review status: criteria provided, single submitter. Criteria: Invitae Variant Classification Sherloc (09022015). Collection method: clinical testing. Allele origin: germline.
Comment: This sequence change replaces arginine, which is basic and polar, with histidine, which is basic and polar, at codon 121 of the KCTD7 protein (p.Arg121His). This variant is present in population databases (rs199624315, gnomAD 0.01%). This variant has not been reported in the literature in individuals affected with KCTD7-related conditions. ClinVar contains an entry for this variant (Variation ID: 469104). Advanced modeling of protein sequence and biophysical properties (such as structural, functional, and spatial information, amino acid conservation, physicochemical variation, residue mobility, and thermodynamic stability) performed at Invitae indicates that this missense variant is not expected to disrupt KCTD7 protein function. In summary, the available evidence is currently insufficient to determine the role of this variant in disease. Therefore, it has been classified as a Variant of Uncertain Significance.

GeneDx
Classification: Uncertain significance. Last evaluated: 2019-07-11. Review status: criteria provided, single submitter. Criteria: GeneDx Variant Classification Process June 2021. Collection method: clinical testing. Allele origin: germline. Affected: yes.
Comment: Not observed at a significant frequency in large population cohorts (Lek et al., 2016); In silico analysis, which includes protein predictors and evolutionary conservation, supports that this variant does not alter protein structure/function; Has not been previously published as pathogenic or benign to our knowledge

NM_153033.5(KCTD7):c.362G>A (p.Arg121His)

Gene: KCTD7 (potassium channel tetramerization domain containing 7; plus strand). Cytogenetic location: 7q11.21.
Variant type: single nucleotide variant.
Coding change: c.362G>A on transcript NM_153033.5 (MANE Select); coding-DNA position 362, G replaced by A.
Protein change: p.Arg121His; replaces arginine 121 with histidine.
Molecular consequence: missense variant.
Genome position (GRCh38, 1-based): chr7:66,638,300, G>A. VCF-style: chr7-66638300-G-A. GRCh37 (hg19) VCF-style: chr7-66103287-G-A.
Other names: c.362G>A, p.Arg121His (NM_001167961.2); short protein forms R121H.
Identifiers: ClinVar variation 469104 (VCV000469104.8), dbSNP rs199624315, ClinGen allele CA4278242.
Genomic context (GRCh38, chr7:66,638,300, plus strand): 5'-CCTTCCTGCTTAGAGATGTGCTGAATTTCCTGCGCTCAGGGGACCTCCCACCCAGGGAGC[G>A]TGTTCGAGCTGTGTACAAAGAGGCCCAGTACTATGCCATCGGGCCCCTCCTGGAGCAGCT-3'
Protein context (NP_694578.1, residues 111-131): LRSGDLPPRE[Arg121His]VRAVYKEAQY